The following is an entry in ClinVar:

NM_024577.4(SH3TC2):c.2635A>G (p.Met879Val)

Gene: SH3TC2 (SH3 domain and tetratricopeptide repeats 2; minus strand). Cytogenetic location: 5q32.
Variant type: single nucleotide variant.
Coding change: c.2635A>G on transcript NM_024577.4 (MANE Select); coding-DNA position 2635, A replaced by G.
Protein change: p.Met879Val; replaces methionine 879 with valine.
Molecular consequence: missense variant.
Genome position (GRCh38, 1-based): chr5:149,027,097, T>C on the plus strand (A>G on the coding strand, the complement: SH3TC2 is on the minus strand). VCF-style: chr5-149027097-T-C. GRCh37 (hg19) VCF-style: chr5-148406660-T-C.
Other names: short protein forms M879V.
Identifiers: ClinVar variation 1794107 (VCV001794107.2), dbSNP rs777677755, ClinGen allele CA3498955.
Genomic context (GRCh38, chr5:149,027,097, plus strand): 5'-GATAGTTTCTGGCTGGATGCTGAGCCCAGGACTTAAGGCTCAGGTGGCCAAGATTGGCCA[T>C]AGCCACTGCCTGGTTATGCACATCTCCCACCTCCTGGGCTCTGTTCAAGGCCCGAAGATA-3'
Protein context (NP_078853.2, residues 869-889): VGDVHNQAVA[Met879Val]ANLGHLSLKS

ClinVar aggregate classification (germline): Uncertain significance (1 of 4 stars; one submission).

Conditions:
Inborn genetic diseases. Identifiers: MedGen C0950123, MeSH D030342.

Allele frequency attached by ClinVar (database versions not stated): gnomAD exomes below 0.00001; ExAC 0.00001; gnomAD 0.00001; TOPMed 0.00001.
gnomAD v4.1: 3 of 1,614,064 alleles (0.00019%); highest among the groups gnomAD compares: African/African-American, 0.0013%; no homozygotes.

Submission:

Ambry Genetics
Classification: Uncertain significance for Inborn genetic diseases. Last evaluated: 2020-02-24. Review status: criteria provided, single submitter. Criteria: Ambry Variant Classification Scheme 2023. Collection method: clinical testing. Allele origin: germline.
Comment: The p.M879V variant (also known as c.2635A>G), located in coding exon 11 of the SH3TC2 gene, results from an A to G substitution at nucleotide position 2635. The methionine at codon 879 is replaced by valine, an amino acid with highly similar properties. This amino acid position is poorly conserved in available vertebrate species. In addition, this alteration is predicted to be tolerated by in silico analysis. Since supporting evidence is limited at this time, the clinical significance of this alteration remains unclear.